The following is an entry in ClinVar:

NM_001270974.2(HYDIN):c.6853+1G>C

Gene: HYDIN (HYDIN axonemal central pair apparatus protein; minus strand). Cytogenetic location: 16q22.2.
Variant type: single nucleotide variant.
Coding change: c.6853+1G>C on transcript NM_001270974.2 (MANE Select); the canonical splice donor site of the intron after coding-DNA position 6853, G replaced by C.
Molecular consequence: splice donor variant.
Genome position (GRCh38, 1-based): chr16:70,941,635, C>G on the plus strand (G>C on the coding strand, the complement: HYDIN is on the minus strand). VCF-style: chr16-70941635-C-G. GRCh37 (hg19) VCF-style: chr16-70975538-C-G.
Identifiers: ClinVar variation 4851791 (VCV004851791.1), dbSNP rs373434372.

ClinVar aggregate classification (germline): Likely pathogenic (1 of 4 stars; one submission).

Submission:

Dasa
Classification: Likely pathogenic. Last evaluated: 2025-11-07. Review status: criteria provided, single submitter. Criteria: DASA Assertion Criteria. Collection method: clinical testing. Allele origin: germline.
Comment: NM_001270974.2(HYDIN):c.6853+1G>C introduces a premature termination codon predicted to result in loss of normal protein function. Loss-of-function is an established mechanism of disease for this gene. The variant is present at low frequency in population datasets. Based on the available data, this variant is classified as likely pathogenic.